The following is an entry in ClinVar:

NM_005012.4(ROR1):c.405C>T (p.Asn135=)

Gene: ROR1 (receptor tyrosine kinase like orphan receptor 1; plus strand). Cytogenetic location: 1p31.3.
Variant type: single nucleotide variant.
Coding change: c.405C>T on transcript NM_005012.4 (MANE Select); coding-DNA position 405, C replaced by T.
Protein change: p.Asn135=; no amino-acid change (asparagine 135 retained).
Molecular consequence: synonymous variant.
Genome position (GRCh38, 1-based): chr1:64,049,932, C>T. VCF-style: chr1-64049932-C-T. GRCh37 (hg19) VCF-style: chr1-64515604-C-T.
Other names: c.405C>T, p.Asn135= (NM_001083592.2).
Identifiers: ClinVar variation 3352719 (VCV003352719.3).
Genomic context (GRCh38, chr1:64,049,932, plus strand): 5'-GCTGCGGATTAGAAACCTCGACACCACAGACACAGGCTACTTCCAGTGCGTGGCAACAAA[C>T]GGCAAGGAGGTGGTTTCTTCCACTGGAGTCTTGTTTGTCAAGTTTGGTAAGCAGACCCCT-3'
Protein context (NP_005003.2, residues 125-145): DTGYFQCVAT[Asn135=]GKEVVSSTGV

ClinVar aggregate classification (germline): Likely benign. Review status: criteria provided, single submitter (1 of 4 stars). 2 submissions from 2 submitters: Likely benign (1). 1 of the submissions does not count toward it. Last evaluated 2025-06-16.

Conditions:
ROR1-related disorder. Also called: ROR1-related condition.

gnomAD v4.1: 238 of 1,614,082 alleles (0.015%); highest among the groups gnomAD compares: Non-Finnish European, 0.018%; no homozygotes.

Submissions (2):

Labcorp Genetics (formerly Invitae), Labcorp
Classification: Likely benign. Last evaluated: 2025-06-16. Review status: criteria provided, single submitter. Criteria: Invitae Variant Classification Sherloc (09022015). Collection method: clinical testing. Allele origin: germline.

PreventionGenetics, part of Exact Sciences
Classification: Likely benign for ROR1-related condition. Last evaluated: 2024-09-16. Review status: no assertion criteria provided. Collection method: clinical testing. Allele origin: germline. Not counted in ClinVar's aggregate classification.
Comment: This variant is classified as likely benign based on ACMG/AMP sequence variant interpretation guidelines (Richards et al. 2015 PMID: 25741868, with internal and published modifications).